The following is an entry in ClinVar:

ClinVar aggregate classification (germline): Uncertain significance. Review status: criteria provided, multiple submitters, no conflicts (2 of 4 stars). 2 submissions from 2 submitters: Uncertain significance (2). Last evaluated 2025-10-22.

Conditions:
Inborn genetic diseases. Identifiers: MedGen C0950123, MeSH D030342.
Jeune thoracic dystrophy. Also called: Jeune syndrome; Infantile thoracic dystrophy; Thoracic pelvic phalangeal dystrophy; Jeune's syndrome; Chondroectodermal dysplasia-like syndrome; Short-rib thoracic dysplasia. Identifiers: Orphanet 474, MedGen C0265275, MONDO:0018770.

Allele frequency attached by ClinVar (database versions not stated): ExAC 0.00001; gnomAD 0.00001; gnomAD exomes 0.00001.
gnomAD v4.1: 15 of 1,607,314 alleles (0.00093%); highest among the groups gnomAD compares: East Asian, 0.0045%; no homozygotes.

Submissions (2):

Labcorp Genetics (formerly Invitae), Labcorp
Classification: Uncertain significance for Jeune thoracic dystrophy. Last evaluated: 2025-10-22. Review status: criteria provided, single submitter. Criteria: Invitae Variant Classification Sherloc (09022015). Collection method: clinical testing. Allele origin: germline.
Comment: This sequence change replaces glycine, which is neutral and non-polar, with arginine, which is basic and polar, at codon 448 of the IFT80 protein (p.Gly448Arg). This variant is present in population databases (rs757507718, gnomAD 0.008%). This variant has not been reported in the literature in individuals affected with IFT80-related conditions. ClinVar contains an entry for this variant (Variation ID: 938688). Invitae Evidence Modeling of protein sequence and biophysical properties (such as structural, functional, and spatial information, amino acid conservation, physicochemical variation, residue mobility, and thermodynamic stability) has been performed for this missense variant. However, the output from this modeling did not meet the statistical confidence thresholds required to predict the impact of this variant on IFT80 protein function. Algorithms developed to predict the effect of sequence changes on RNA splicing suggest that this variant may disrupt the consensus splice site. In summary, the available evidence is currently insufficient to determine the role of this variant in disease. Therefore, it has been classified as a Variant of Uncertain Significance.

Ambry Genetics
Classification: Uncertain significance for Inborn genetic diseases. Last evaluated: 2023-06-16. Review status: criteria provided, single submitter. Criteria: Ambry Variant Classification Scheme 2023. Collection method: clinical testing. Allele origin: germline.

NM_020800.3(IFT80):c.1342G>A (p.Gly448Arg)

Genes: TRIM59-IFT80 (TRIM59-IFT80 readthrough (NMD candidate); minus strand), IFT80 (intraflagellar transport 80; minus strand). Cytogenetic location: 3q25.33.
Variant type: single nucleotide variant.
Coding change: c.1342G>A on transcript NM_020800.3 (MANE Select); coding-DNA position 1342, G replaced by A.
Protein change: p.Gly448Arg; replaces glycine 448 with arginine.
Molecular consequence: missense variant. On other transcripts: non-coding transcript variant (3).
Genome position (GRCh38, 1-based): chr3:160,285,842, C>T on the plus strand (G>A on the coding strand, the complement: IFT80 is on the minus strand). VCF-style: chr3-160285842-C-T. GRCh37 (hg19) VCF-style: chr3-160003630-C-T.
Other names: c.931G>A, p.Gly311Arg (NM_001190241.2, NM_001190242.2); short protein forms G448R, G311R.
Identifiers: ClinVar variation 938688 (VCV000938688.11), dbSNP rs757507718, ClinGen allele CA2685183.